The following is an entry in ClinVar:

ClinVar aggregate classification (germline): Benign (0 of 4 stars; one submission).

Conditions:
ALG5-related disorder. Also called: ALG5-related condition.

Allele frequency attached by ClinVar (database versions not stated): gnomAD exomes 0.00020; ExAC 0.00049; 1000 Genomes Project 0.00140; gnomAD 0.00155; 1000 Genomes Project 30x 0.00156; TOPMed 0.00179; ESP Exome Variant Server 0.00189.
gnomAD v4.1: 521 of 1,580,564 alleles (0.033%); highest among the groups gnomAD compares: African/African-American, 0.56%; no homozygotes.

Submission:

PreventionGenetics, part of Exact Sciences
Classification: Benign for ALG5-related condition. Last evaluated: 2023-11-16. Review status: no assertion criteria provided. Collection method: clinical testing. Allele origin: germline.
Comment: This variant is classified as benign based on ACMG/AMP sequence variant interpretation guidelines (Richards et al. 2015 PMID: 25741868, with internal and published modifications).

NM_013338.5(ALG5):c.36C>T (p.Gly12=)

Genes: ALG5 (ALG5 dolichyl-phosphate beta-glucosyltransferase; minus strand), LOC130009578 (ATAC-STARR-seq lymphoblastoid silent region 5270; plus strand). Cytogenetic location: 13q13.3.
Variant type: single nucleotide variant.
Coding change: c.36C>T on transcript NM_013338.5 (MANE Select); coding-DNA position 36, C replaced by T.
Protein change: p.Gly12=; no amino-acid change (glycine 12 retained).
Molecular consequence: synonymous variant.
Genome position (GRCh38, 1-based): chr13:36,999,265, G>A on the plus strand (C>T on the coding strand, the complement: ALG5 is on the minus strand). VCF-style: chr13-36999265-G-A. GRCh37 (hg19) VCF-style: chr13-37573402-G-A.
Other names: c.36C>T, p.Gly12= (NM_001142364.1).
Identifiers: ClinVar variation 3040439 (VCV003040439.2), dbSNP rs146902400, ClinGen allele CA6950977.